The following is an entry in ClinVar:

ClinVar aggregate classification (germline): Benign. Review status: criteria provided, multiple submitters, no conflicts (2 of 4 stars). 3 submissions from 3 submitters: Benign (2). 1 of the submissions does not count toward it. Last evaluated 2026-02-03.

Conditions:
PLXNA2-related disorder. Also called: PLXNA2-related condition.

Allele frequency attached by ClinVar (database versions not stated): 1000 Genomes Project 30x 0.44831; gnomAD exomes 0.50732 and 0.55455; TOPMed 0.54693; gnomAD 0.55125 and 0.56327; ESP Exome Variant Server 0.56674; 1000 Genomes Project 0.44269; ExAC 0.51200.
gnomAD v4.1: 887,619 of 1,602,934 alleles (55%); highest among the groups gnomAD compares: Non-Finnish European, 58%; 251,313 homozygotes.

Submissions (3):

Labcorp Genetics (formerly Invitae), Labcorp
Classification: Benign. Last evaluated: 2026-02-03. Review status: criteria provided, single submitter. Criteria: Invitae Variant Classification Sherloc (09022015). Collection method: clinical testing. Allele origin: germline.

Breakthrough Genomics
Classification: Benign. Review status: criteria provided, single submitter. Criteria: ACMG Guidelines, 2015. Collection method: not provided. Allele origin: germline. Inheritance: Unknown mechanism. Affected: yes.

PreventionGenetics, part of Exact Sciences
Classification: Benign for PLXNA2-related condition. Last evaluated: 2022-04-11. Review status: no assertion criteria provided. Collection method: clinical testing. Allele origin: germline. Not counted in ClinVar's aggregate classification.
Comment: This variant is classified as benign based on ACMG/AMP sequence variant interpretation guidelines (Richards et al. 2015 PMID: 25741868, with internal and published modifications).

NM_025179.4(PLXNA2):c.4863C>T (p.Tyr1621=)

Gene: PLXNA2 (plexin A2; minus strand). Cytogenetic location: 1q32.2.
Variant type: single nucleotide variant.
Coding change: c.4863C>T on transcript NM_025179.4 (MANE Select); coding-DNA position 4863, C replaced by T.
Protein change: p.Tyr1621=; no amino-acid change (tyrosine 1621 retained).
Molecular consequence: synonymous variant.
Genome position (GRCh38, 1-based): chr1:208,034,494, G>A on the plus strand (C>T on the coding strand, the complement: PLXNA2 is on the minus strand). VCF-style: chr1-208034494-G-A. GRCh37 (hg19) VCF-style: chr1-208207839-G-A.
Other names: c.4863C>T (NM_025179.3).
Identifiers: ClinVar variation 1164720 (VCV001164720.12), dbSNP rs3736963, ClinGen allele CA1372743.